The following is an entry in ClinVar:

NM_001164508.2(NEB):c.21497C>T (p.Thr7166Ile)

Genes: RIF1 (replication timing regulatory factor 1; plus strand), NEB (nebulin; minus strand). Cytogenetic location: 2q23.3.
Variant type: single nucleotide variant.
Coding change: c.21497C>T on transcript NM_001164508.2 (MANE Select); coding-DNA position 21497, C replaced by T.
Protein change: p.Thr7166Ile; replaces threonine 7166 with isoleucine.
Molecular consequence: missense variant.
Genome position (GRCh38, 1-based): chr2:151,531,817, G>A on the plus strand (C>T on the coding strand, the complement: NEB is on the minus strand). VCF-style: chr2-151531817-G-A. GRCh37 (hg19) VCF-style: chr2-152388331-G-A.
Other names: c.21497C>T, p.Thr7166Ile (NM_001164507.2); c.21602C>T, p.Thr7201Ile (NM_001271208.2); c.16394C>T, p.Thr5465Ile (NM_004543.5); short protein forms T5465I, T7166I, T7201I.
Identifiers: ClinVar variation 1011791 (VCV001011791.11), dbSNP rs766520487, ClinGen allele CA1906960.

ClinVar aggregate classification (germline): Uncertain significance. Review status: criteria provided, multiple submitters, no conflicts (2 of 4 stars). 3 submissions from 3 submitters: Uncertain significance (2). 1 of the submissions does not count toward it. Last evaluated 2023-08-28.

Conditions:
Nemaline myopathy 2 (NEM2). Also called: Nemaline myopathy 2, autosomal recessive. Identifiers: MedGen C1850569, MONDO:0009725, OMIM 256030.

Allele frequency attached by ClinVar (database versions not stated): ExAC 0.00001; gnomAD exomes below 0.00001 and 0.00001; gnomAD 0.00001; TOPMed 0.00001.
gnomAD v4.1: 8 of 1,612,570 alleles (0.0005%); highest among the groups gnomAD compares: Non-Finnish European, 0.00068%; no homozygotes.

Submissions (3):

Revvity Omics, Revvity
Classification: Uncertain significance. Last evaluated: 2023-08-28. Review status: criteria provided, single submitter. Criteria: ACMG Guidelines, 2015. Collection method: clinical testing. Allele origin: germline.

Labcorp Genetics (formerly Invitae), Labcorp
Classification: Uncertain significance for Nemaline myopathy 2. Last evaluated: 2022-06-20. Review status: criteria provided, single submitter. Criteria: Invitae Variant Classification Sherloc (09022015). Collection method: clinical testing. Allele origin: germline.
Comment: This sequence change replaces threonine, which is neutral and polar, with isoleucine, which is neutral and non-polar, at codon 7201 of the NEB protein (p.Thr7201Ile). This variant is present in population databases (rs766520487, gnomAD 0.0009%). This variant has not been reported in the literature in individuals affected with NEB-related conditions. ClinVar contains an entry for this variant (Variation ID: 1011791). Algorithms developed to predict the effect of missense changes on protein structure and function are either unavailable or do not agree on the potential impact of this missense change (SIFT: "Deleterious"; PolyPhen-2: "Not Available"; Align-GVGD: "Class C0"). In summary, the available evidence is currently insufficient to determine the role of this variant in disease. Therefore, it has been classified as a Variant of Uncertain Significance.

Natera, Inc.
Classification: Uncertain significance for Nemaline myopathy type 2. Last evaluated: 2021-05-10. Review status: no assertion criteria provided. Collection method: clinical testing. Allele origin: germline. Not counted in ClinVar's aggregate classification.